The following is an entry in ClinVar:

NM_173076.3(ABCA12):c.3379G>A (p.Val1127Met)

Gene: ABCA12 (ATP binding cassette subfamily A member 12; minus strand). Cytogenetic location: 2q35.
Variant type: single nucleotide variant.
Coding change: c.3379G>A on transcript NM_173076.3 (MANE Select); coding-DNA position 3379, G replaced by A.
Protein change: p.Val1127Met; replaces valine 1127 with methionine.
Molecular consequence: missense variant. On other transcripts: non-coding transcript variant (1).
Genome position (GRCh38, 1-based): chr2:214,990,947, C>T on the plus strand (G>A on the coding strand, the complement: ABCA12 is on the minus strand). VCF-style: chr2-214990947-C-T. GRCh37 (hg19) VCF-style: chr2-215855671-C-T.
Other names: c.2425G>A, p.Val809Met (NM_015657.4); short protein forms V809M, V1127M.
Identifiers: ClinVar variation 4562855 (VCV004562855.2).

ClinVar aggregate classification (germline): Uncertain significance. Review status: criteria provided, multiple submitters, no conflicts (2 of 4 stars). 2 submissions from 2 submitters: Uncertain significance (2). Last evaluated 2025-10-26.

Conditions:
Autosomal recessive congenital ichthyosis 4A (LI2). Also called: ICHTHYOSIS CONGENITA IIB. Identifiers: Orphanet 313, MedGen C1832550, MONDO:0011026, OMIM 601277.
Autosomal recessive congenital ichthyosis 4B (ARCI4B). Also called: HARLEQUIN ICHTHYOSIS; Harlequin Fetus; ICHTHYOSIS CONGENITA, HARLEQUIN FETUS TYPE; Ichthyosis, congenital, autosomal recessive 4B (harlequin). Identifiers: Orphanet 457, MedGen C0598226, MONDO:0009443, OMIM 242500.
Inborn genetic diseases. Identifiers: MedGen C0950123, MeSH D030342.

gnomAD v4.1: 77 of 1,613,970 alleles (0.0048%); highest among the groups gnomAD compares: South Asian, 0.03%; no homozygotes.

Submissions (2):

Clinical Genomics Laboratory, Washington University in St. Louis
Classification: Uncertain significance for Autosomal recessive congenital ichthyosis 4B; Autosomal recessive congenital ichthyosis 4A. Last evaluated: 2025-10-26. Review status: criteria provided, single submitter. Criteria: ACMG Guidelines, 2015. Collection method: clinical testing. Allele origin: germline.
Comment: An ABCA12 c.3379G>A (p.Val1127Met) variant was identified at a near heterozygous allelic fraction of 50.7%, a frequency which may be consistent with it being of germline origin. This variant, to our knowledge, has not been reported in the medical literature or the ClinVar database. This variant is only observed in 77/1,613,970 alleles in the general population (gnomAD v4.1.0), indicating it is not a common variant. Computational predictors are uncertain as to the impact of this variant on ABCA12 function. Due to limited information, and based on ACMG/AMP guidelines for variant interpretation (Richards S et al., PMID: 25741868), the clinical significance of this variant is uncertain at this time.

Ambry Genetics
Classification: Uncertain significance for Inborn genetic diseases. Last evaluated: 2025-10-15. Review status: criteria provided, single submitter. Criteria: Ambry Variant Classification Scheme 2023. Collection method: clinical testing. Allele origin: germline.

Literature cited by the submitters: uncertain (cited by Clinical Genomics Laboratory, Washington University in St. Louis).